The following is an entry in ClinVar:

NM_021096.4(CACNA1I):c.5285C>T (p.Pro1762Leu)

Gene: CACNA1I (calcium voltage-gated channel subunit alpha1 I; plus strand). Cytogenetic location: 22q13.1.
Variant type: single nucleotide variant.
Coding change: c.5285C>T on transcript NM_021096.4 (MANE Select); coding-DNA position 5285, C replaced by T.
Protein change: p.Pro1762Leu; replaces proline 1762 with leucine.
Molecular consequence: missense variant.
Genome position (GRCh38, 1-based): chr22:39,679,336, C>T. VCF-style: chr22-39679336-C-T. GRCh37 (hg19) VCF-style: chr22-40075341-C-T.
Other names: c.5180C>T, p.Pro1727Leu (NM_001003406.2); short protein forms P1727L, P1762L.
Identifiers: ClinVar variation 3387849 (VCV003387849.14).
Genomic context (GRCh38, chr22:39,679,336, plus strand): 5'-AGGACGCCGAGATGGATGCCGAGCTCGAGCTGGAGATGGCCCATGGCCTGGGCCCTGGCC[C>T]GAGGCTGCCTACCGGCTCCCCGGGCGCCCCTGGCCGAGGGCCGGGAGGGGCGGGCGGCGG-3'
Protein context (NP_066919.2, residues 1752-1772): LEMAHGLGPG[Pro1762Leu]RLPTGSPGAP

ClinVar aggregate classification (germline): Benign (1 of 4 stars; one submission).

gnomAD v4.1: 33,269 of 1,546,672 alleles (2.2%); highest among the groups gnomAD compares: Non-Finnish European, 2.5%; 448 homozygotes.

Submission:

CeGaT Center for Human Genetics Tuebingen
Classification: Benign. Last evaluated: 2026-09-01. Review status: criteria provided, single submitter. Criteria: CeGaT Center For Human Genetics Tuebingen Variant Classification Criteria Version 2. Collection method: clinical testing. Allele origin: germline. Affected: yes. Observed: 8 variant alleles.
Comment: CACNA1I: PP2, BS1, BS2